The following is an entry in ClinVar:

ClinVar aggregate classification (germline): Conflicting classifications of pathogenicity. Review status: criteria provided, conflicting classifications (1 of 4 stars). 2 submissions from 2 submitters: Likely pathogenic (1); Uncertain significance (1). Last evaluated 2024-12-20.

Conditions:
Fanconi anemia (FA). Also called: Fanconi's anemia. Identifiers: Orphanet 84, MedGen C0015625, MeSH D005199, MONDO:0019391.

Submissions (2):

Dasa
Classification: Uncertain significance. Last evaluated: 2024-12-20. Review status: criteria provided, single submitter. Criteria: DASA Assertion Criteria. Collection method: clinical testing. Allele origin: germline.
Comment: NM_020937.4(FANCM):c.5340+2T>C affects a canonical splice site and is predicted to disrupt normal RNA splicing. This variant is absent from population databases. The currently available literature and clinical evidence are not sufficient to establish a definitive association between this variant and the reported condition. Therefore, this variant is classified as a variant of uncertain significance.

Labcorp Genetics (formerly Invitae), Labcorp
Classification: Likely pathogenic for Fanconi anemia. Last evaluated: 2023-11-18. Review status: criteria provided, single submitter. Criteria: Invitae Variant Classification Sherloc (09022015). Collection method: clinical testing. Allele origin: germline.
Comment: This sequence change affects a donor splice site in intron 20 of the FANCM gene. It is expected to disrupt RNA splicing. Variants that disrupt the donor or acceptor splice site typically lead to a loss of protein function (PMID: 16199547), and loss-of-function variants in FANCM are known to be pathogenic (PMID: 29895858, 30075111). This variant is not present in population databases (gnomAD no frequency). This variant has not been reported in the literature in individuals affected with FANCM-related conditions. Algorithms developed to predict the effect of sequence changes on RNA splicing suggest that this variant may disrupt the consensus splice site. In summary, the currently available evidence indicates that the variant is pathogenic, but additional data are needed to prove that conclusively. Therefore, this variant has been classified as Likely Pathogenic.

Literature cited by the submitters: PubMed 16199547 (cited by Labcorp Genetics (formerly Invitae), Labcorp); PubMed 29895858 (cited by Labcorp Genetics (formerly Invitae), Labcorp); PubMed 30075111 (cited by Labcorp Genetics (formerly Invitae), Labcorp).

NM_020937.4(FANCM):c.5340+2T>C

Gene: FANCM (FA complementation group M; plus strand). Cytogenetic location: 14q21.2.
Variant type: single nucleotide variant.
Coding change: c.5340+2T>C on transcript NM_020937.4 (MANE Select); the canonical splice donor site of the intron after coding-DNA position 5340, T replaced by C.
Molecular consequence: splice donor variant.
Genome position (GRCh38, 1-based): chr14:45,189,364, T>C. VCF-style: chr14-45189364-T-C. GRCh37 (hg19) VCF-style: chr14-45658567-T-C.
Other names: c.5262+2T>C (NM_001308133.2).
Identifiers: ClinVar variation 2742551 (VCV002742551.5), dbSNP rs2503247331, ClinGen allele CA389613392.